The following is an entry in ClinVar:

ClinVar aggregate classification (germline): Benign/Likely benign. Review status: criteria provided, multiple submitters, no conflicts (2 of 4 stars). 4 submissions from 4 submitters: Benign (1); Likely benign (3). Last evaluated 2025-12-22.

Conditions:
Hereditary cancer-predisposing syndrome. Also called: Hereditary Cancer Syndrome; Neoplastic Syndromes, Hereditary; Hereditary neoplastic syndrome; Tumor predisposition. Identifiers: Orphanet 140162, MedGen C0027672, MeSH D009386, MONDO:0015356.
Retinoblastoma (RB1). Also called: RETINOBLASTOMA, SOMATIC. Identifiers: Orphanet 790, MedGen C0035335, MeSH D012175, MONDO:0008380, OMIM 180200, HP:0009919. Disease mechanism: loss of function. Inheritance: Both sporadic and heritable forms are tested..

Allele frequency attached by ClinVar (database versions not stated): gnomAD 0.00001; ExAC 0.00002; gnomAD exomes 0.00002 and 0.00003; TOPMed 0.00002.
gnomAD v4.1: 40 of 1,592,020 alleles (0.0025%); highest among the groups gnomAD compares: Non-Finnish European, 0.0033%; no homozygotes.

Submissions (4):

Labcorp Genetics (formerly Invitae), Labcorp
Classification: Benign for Retinoblastoma. Last evaluated: 2025-12-22. Review status: criteria provided, single submitter. Criteria: Invitae Variant Classification Sherloc (09022015). Collection method: clinical testing. Allele origin: germline.

All of Us Research Program, National Institutes of Health
Classification: Likely benign for Retinoblastoma. Last evaluated: 2024-05-30. Review status: criteria provided, single submitter. Criteria: ACMG Guidelines, 2015. Collection method: clinical testing. Allele origin: germline. Inheritance: Autosomal dominant inheritance. Observed: 7 variant alleles, 7 heterozygotes.
Comment: This study involves interpretation of variants in research participants for the purpose of population health screening. Participant phenotype was not available at the time of variant classification. Additional details can be found in publication PMID: 35346344, PMCID: PMC8962531

Color Diagnostics, LLC DBA Color Health
Classification: Likely benign for Retinoblastoma. Last evaluated: 2022-04-25. Review status: criteria provided, single submitter. Criteria: ACMG Guidelines, 2015. Collection method: clinical testing. Allele origin: germline.

Ambry Genetics
Classification: Likely benign for Hereditary cancer-predisposing syndrome. Last evaluated: 2021-12-13. Review status: criteria provided, single submitter. Criteria: Ambry Variant Classification Scheme 2023. Collection method: clinical testing. Allele origin: germline.

NM_000321.3(RB1):c.272A>G (p.Tyr91Cys)

Gene: RB1 (RB transcriptional corepressor 1; plus strand). Cytogenetic location: 13q14.2.
Variant type: single nucleotide variant.
Coding change: c.272A>G on transcript NM_000321.3 (MANE Select); coding-DNA position 272, A replaced by G.
Protein change: p.Tyr91Cys; replaces tyrosine 91 with cysteine.
Molecular consequence: missense variant.
Genome position (GRCh38, 1-based): chr13:48,342,606, A>G. VCF-style: chr13-48342606-A-G. GRCh37 (hg19) VCF-style: chr13-48916742-A-G.
Other names: short protein forms Y91C.
Identifiers: ClinVar variation 699573 (VCV000699573.15), dbSNP rs750850735, ClinGen allele CA037370.
Genomic context (GRCh38, chr13:48,342,606, plus strand): 5'-TCCAGTGTGTGAATTATTTAATGAAATATTTGATCTTTATTTTTTGTTCCCAGGGAGGTT[A>G]TATTCAAAAGAAAAAGGAACTGTGGGGAATCTGTATCTTTATTGCAGCAGTTGACCTAGA-3'
Protein context (NP_000312.2, residues 81-101): VSSVDGVLGG[Tyr91Cys]IQKKKELWGI